The following is an entry in ClinVar:

ClinVar aggregate classification (germline): Uncertain significance. Review status: criteria provided, multiple submitters, no conflicts (2 of 4 stars). 5 submissions from 5 submitters: Uncertain significance (5). Last evaluated 2026-01-18.

Conditions:
Cardiovascular phenotype. Identifiers: MedGen CN230736.
Hereditary cancer-predisposing syndrome. Also called: Tumor predisposition; Hereditary Cancer Syndrome; Neoplastic Syndromes, Hereditary; Hereditary neoplastic syndrome. Identifiers: Orphanet 140162, MedGen C0027672, MeSH D009386, MONDO:0015356.
LZTR1-related schwannomatosis. Also called: Schwannomatosis 2; Schwannomatosis-2, susceptibility to. Identifiers: Orphanet 93921, MedGen C3810283, MONDO:0014299, OMIM 615670.

Allele frequency attached by ClinVar (database versions not stated): gnomAD 0.00001.
gnomAD v4.1: 4 of 1,612,656 alleles (0.00025%); highest among the groups gnomAD compares: African/African-American, 0.0053%; no homozygotes.

Submissions (5):

Labcorp Genetics (formerly Invitae), Labcorp
Classification: Uncertain significance. Last evaluated: 2026-01-18. Review status: criteria provided, single submitter. Criteria: Invitae Variant Classification Sherloc (09022015). Collection method: clinical testing. Allele origin: germline.
Comment: This sequence change replaces valine, which is neutral and non-polar, with isoleucine, which is neutral and non-polar, at codon 463 of the LZTR1 protein (p.Val463Ile). This variant is not present in population databases (gnomAD no frequency). This variant has not been reported in the literature in individuals affected with LZTR1-related conditions. ClinVar contains an entry for this variant (Variation ID: 1334609). Invitae Evidence Modeling of protein sequence and biophysical properties (such as structural, functional, and spatial information, amino acid conservation, physicochemical variation, residue mobility, and thermodynamic stability) indicates that this missense variant is not expected to disrupt LZTR1 protein function with a negative predictive value of 80%. In summary, the available evidence is currently insufficient to determine the role of this variant in disease. Therefore, it has been classified as a Variant of Uncertain Significance.

GeneDx
Classification: Uncertain significance. Last evaluated: 2025-06-04. Review status: criteria provided, single submitter. Criteria: GeneDx Variant Classification Process June 2021. Collection method: clinical testing. Allele origin: germline. Affected: yes.
Comment: Not observed at significant frequency in large population cohorts (gnomAD); In silico analysis suggests that this missense variant does not alter protein structure/function; Has not been previously published as pathogenic or benign to our knowledge

Ambry Genetics
Classification: Uncertain significance for Cardiovascular phenotype; Hereditary cancer-predisposing syndrome. Last evaluated: 2025-01-09. Review status: criteria provided, single submitter. Criteria: Ambry Variant Classification Scheme 2023. Collection method: clinical testing. Allele origin: germline.
Comment: The p.V463I variant (also known as c.1387G>A), located in coding exon 13 of the LZTR1 gene, results from a G to A substitution at nucleotide position 1387. The valine at codon 463 is replaced by isoleucine, an amino acid with highly similar properties. This amino acid position is conserved. In addition, the in silico prediction for this alteration is inconclusive. Since supporting evidence is limited at this time, the clinical significance of this alteration remains unclear.

Baylor Genetics
Classification: Uncertain significance for LZTR1-related schwannomatosis. Last evaluated: 2024-03-28. Review status: criteria provided, single submitter. Criteria: ACMG Guidelines, 2015. Collection method: clinical testing. Allele origin: unknown.

Greenwood Genetic Center Diagnostic Laboratories, Greenwood Genetic Center
Classification: Uncertain significance. Last evaluated: 2021-10-07. Review status: criteria provided, single submitter. Criteria: ACMG Guidelines, 2015. Collection method: clinical testing. Allele origin: germline. Affected: yes.
Comment: PM2

NM_006767.4(LZTR1):c.1387G>A (p.Val463Ile)

Gene: LZTR1 (leucine zipper like post translational regulator 1; plus strand). Cytogenetic location: 22q11.21.
Variant type: single nucleotide variant.
Coding change: c.1387G>A on transcript NM_006767.4 (MANE Select); coding-DNA position 1387, G replaced by A.
Protein change: p.Val463Ile; replaces valine 463 with isoleucine.
Molecular consequence: missense variant.
Genome position (GRCh38, 1-based): chr22:20,993,957, G>A. VCF-style: chr22-20993957-G-A. GRCh37 (hg19) VCF-style: chr22-21348246-G-A.
Other names: c.1387G>A (NM_006767.3); short protein forms V463I.
Identifiers: ClinVar variation 1334609 (VCV001334609.12), dbSNP rs1269398431, ClinGen allele CA410775121.
Genomic context (GRCh38, chr22:20,993,957, plus strand): 5'-TCTGCCAGTGCATCATTCTTTGTGCAGAAGGAGGAGTGCGTGCAGGGCCACGTAGCCATT[G>A]TCACAGCGCGGAGCCGCTGGCTTCGCAGGAAGATCACGCAGGCGCGGGAGAGGCTGGCCC-3'
Protein context (NP_006758.2, residues 453-473): EECVQGHVAI[Val463Ile]TARSRWLRRK